The following is an entry in ClinVar:

NM_022168.4(IFIH1):c.2633T>C (p.Met878Thr)

Gene: IFIH1 (interferon induced with helicase C domain 1; minus strand). Cytogenetic location: 2q24.2.
Variant type: single nucleotide variant.
Coding change: c.2633T>C on transcript NM_022168.4 (MANE Select); coding-DNA position 2633, T replaced by C.
Protein change: p.Met878Thr; replaces methionine 878 with threonine.
Molecular consequence: missense variant.
Genome position (GRCh38, 1-based): chr2:162,268,261, A>G on the plus strand (T>C on the coding strand, the complement: IFIH1 is on the minus strand). VCF-style: chr2-162268261-A-G. GRCh37 (hg19) VCF-style: chr2-163124771-A-G.
Other names: p.Met878Thr; short protein forms M878T.
Identifiers: ClinVar variation 4540686 (VCV004540686.1).

ClinVar aggregate classification (germline): Uncertain significance (1 of 4 stars; one submission).

Submission:

Mayo Clinic Laboratories, Mayo Clinic
Classification: Uncertain significance. Last evaluated: 2025-09-06. Review status: criteria provided, single submitter. Criteria: ACMG Guidelines, 2015. Collection method: clinical testing. Allele origin: germline. Observed: 1 variant allele.
Comment: BP4_moderate, PM2_supporting